The following is an entry in ClinVar:

ClinVar aggregate classification (germline): Uncertain significance (1 of 4 stars; one submission).

Allele frequency attached by ClinVar (database versions not stated): gnomAD exomes 0.00006 and 0.00008; gnomAD 0.00007 and 0.00008; TOPMed 0.00007; ExAC 0.00010; ESP Exome Variant Server 0.00031.
gnomAD v4.1: 135 of 1,614,108 alleles (0.0084%); highest among the groups gnomAD compares: Non-Finnish European, 0.01%; 2 homozygotes.

Submission:

Labcorp Genetics (formerly Invitae), Labcorp
Classification: Uncertain significance. Last evaluated: 2024-06-11. Review status: criteria provided, single submitter. Criteria: Invitae Variant Classification Sherloc (09022015). Collection method: clinical testing. Allele origin: germline.
Comment: This sequence change replaces valine, which is neutral and non-polar, with isoleucine, which is neutral and non-polar, at codon 1646 of the TCF20 protein (p.Val1646Ile). This variant is present in population databases (rs144324603, gnomAD 0.01%). This variant has not been reported in the literature in individuals affected with TCF20-related conditions. ClinVar contains an entry for this variant (Variation ID: 1377185). An algorithm developed to predict the effect of missense changes on protein structure and function (PolyPhen-2) suggests that this variant is likely to be tolerated. In summary, the available evidence is currently insufficient to determine the role of this variant in disease. Therefore, it has been classified as a Variant of Uncertain Significance.

NM_001378418.1(TCF20):c.4936G>A (p.Val1646Ile)

Gene: TCF20 (transcription factor 20; minus strand). Cytogenetic location: 22q13.2.
Variant type: single nucleotide variant.
Coding change: c.4936G>A on transcript NM_001378418.1 (MANE Select); coding-DNA position 4936, G replaced by A.
Protein change: p.Val1646Ile; replaces valine 1646 with isoleucine.
Molecular consequence: missense variant.
Genome position (GRCh38, 1-based): chr22:42,210,370, C>T on the plus strand (G>A on the coding strand, the complement: TCF20 is on the minus strand). VCF-style: chr22-42210370-C-T. GRCh37 (hg19) VCF-style: chr22-42606376-C-T.
Other names: c.4936G>A, p.Val1646Ile (NM_005650.4, NM_181492.3); short protein forms V1646I.
Identifiers: ClinVar variation 1377185 (VCV001377185.8), dbSNP rs144324603, ClinGen allele CA10266563.
Genomic context (GRCh38, chr22:42,210,370, plus strand): 5'-CCTTCCTGCCCCTCACTAATTTGGTCTGTTCTTCTTCCTCAGCATTGATGATTGTACAAA[C>T]GGCTCCAAGTTCACACTTATTTACTACATGGATGTAAGGGTAAAAAGACTTGTTCTTGGC-3'
Protein context (NP_001365347.1, residues 1636-1656): HVVNKCELGA[Val1646Ile]CTIINAEEEE